The following is an entry in ClinVar:

NM_000486.6(AQP2):c.253C>T (p.Arg85Ter)

Gene: AQP2 (aquaporin 2; plus strand). Cytogenetic location: 12q13.12.
Variant type: single nucleotide variant.
Coding change: c.253C>T on transcript NM_000486.6 (MANE Select); coding-DNA position 253, C replaced by T.
Protein change: p.Arg85Ter; replaces arginine 85 with a stop codon.
Molecular consequence: nonsense.
Genome position (GRCh38, 1-based): chr12:49,951,083, C>T. VCF-style: chr12-49951083-C-T. GRCh37 (hg19) VCF-style: chr12-50344866-C-T.
Other names: c.253C>T (NM_000486.5); short protein forms R85*.
Identifiers: ClinVar variation 1455736 (VCV001455736.10), dbSNP rs781478659, ClinGen allele CA6559177.

ClinVar aggregate classification (germline): Pathogenic. Review status: criteria provided, multiple submitters, no conflicts (2 of 4 stars). 2 submissions from 2 submitters: Pathogenic (2). Last evaluated 2024-07-03.

Conditions:
Nephrogenic diabetes insipidus. Identifiers: Orphanet 223, MedGen C0162283, MONDO:0016383, HP:0009806.

Allele frequency attached by ClinVar (database versions not stated): gnomAD exomes below 0.00001 and 0.00001; TOPMed below 0.00001; ExAC 0.00001.
gnomAD v4.1: 10 of 1,610,990 alleles (0.00062%); highest among the groups gnomAD compares: Non-Finnish European, 0.00076%; no homozygotes.

Submissions (2):

Natera, Inc.
Classification: Pathogenic for Nephrogenic diabetes insipidus. Last evaluated: 2024-07-03. Review status: criteria provided, single submitter. Criteria: Natera Variant Classification Schema (03/2026). Collection method: clinical testing. Allele origin: germline.
Comment: The c.253C>T variant in AQP2 is a nonsense variant predicted to introduce a stop codon at amino acid 85. This variant is expected to result in nonsense mediated decay, truncation, or a dysfunctional protein product. This variant is rare in the general population with a frequency below the threshold expected for the associated phenotype(s). This variant has been observed in one or more individuals affected with the associated recessive disease, as either homozygous or compound heterozygous with a second variant (PMID: 9402087, 29398133). Given the available evidence, this variant is classified as Pathogenic.

Labcorp Genetics (formerly Invitae), Labcorp
Classification: Pathogenic. Last evaluated: 2023-09-24. Review status: criteria provided, single submitter. Criteria: Invitae Variant Classification Sherloc (09022015). Collection method: clinical testing. Allele origin: germline.
Comment: For these reasons, this variant has been classified as Pathogenic. ClinVar contains an entry for this variant (Variation ID: 1455736). This premature translational stop signal has been observed in individual(s) with AQP2-related conditions (PMID: 9402087, 18040725). This variant is present in population databases (rs781478659, gnomAD 0.0009%). This sequence change creates a premature translational stop signal (p.Arg85*) in the AQP2 gene. It is expected to result in an absent or disrupted protein product. Loss-of-function variants in AQP2 are known to be pathogenic (PMID: 9024277, 27156763).

Literature cited by the submitters: PubMed 9402087 (cited by Natera, Inc. and Labcorp Genetics (formerly Invitae), Labcorp); PubMed 29398133 (cited by Natera, Inc.); PubMed 18040725 (cited by Labcorp Genetics (formerly Invitae), Labcorp); PubMed 9024277 (cited by Labcorp Genetics (formerly Invitae), Labcorp); PubMed 27156763 (cited by Labcorp Genetics (formerly Invitae), Labcorp).